The following is an entry in ClinVar:

ClinVar aggregate classification (germline): Conflicting classifications of pathogenicity. Review status: criteria provided, conflicting classifications (1 of 4 stars). 2 submissions from 2 submitters: Likely pathogenic (1); Uncertain significance (1). Last evaluated 2025-10-01.

Conditions:
Familial thoracic aortic aneurysm and aortic dissection (TAAD). Also called: Thoracic aortic aneurysms and dissections. Identifiers: Orphanet 91387, MedGen C4707243, MONDO:0019625.
Ehlers-Danlos syndrome, type 4 (EDSVASC). Also called: Ehlers-Danlos syndrome vascular type; Ehlers Danlos syndrome, ecchymotic type; Ehlers Danlos syndrome, arterial type; Ehlers Danlos syndrome, Sack-Barabas type; Ehlers-Danlos Syndrome Type IV. Identifiers: Orphanet 286, MedGen C0268338, MONDO:0017314, OMIM 130050.

Submissions (2):

Ambry Genetics
Classification: Uncertain significance for Familial thoracic aortic aneurysm and aortic dissection. Last evaluated: 2025-10-01. Review status: criteria provided, single submitter. Criteria: Ambry Variant Classification Scheme 2023. Collection method: clinical testing. Allele origin: germline.
Comment: The c.80-1G>C intronic variant results from a G to C substitution one nucleotide upstream from coding exon 2 of the COL3A1 gene. Alterations that disrupt the canonical splice site are expected to result in aberrant splicing. In silico splice site analysis predicts that this alteration will weaken the native splice acceptor site and will result in the creation or strengthening of a novel splice acceptor site. A resulting transcript is predicted to be in-frame and is not expected to trigger nonsense-mediated mRNAdecay; although, direct evidence is unavailable. This nucleotide position is well conserved in available vertebrate species. Based on the available evidence, the clinical significance of this variant remains unclear.

Labcorp Genetics (formerly Invitae), Labcorp
Classification: Likely pathogenic for Ehlers-Danlos syndrome, type 4. Last evaluated: 2023-10-10. Review status: criteria provided, single submitter. Criteria: Invitae Variant Classification Sherloc (09022015). Collection method: clinical testing. Allele origin: germline.
Comment: This sequence change affects an acceptor splice site in intron 1 of the COL3A1 gene. It is expected to disrupt RNA splicing. Variants that disrupt the donor or acceptor splice site typically lead to a loss of protein function (PMID: 16199547), and loss-of-function variants in COL3A1 are known to be pathogenic (PMID: 24922459). This variant is not present in population databases (gnomAD no frequency). Disruption of this splice site has been observed in individual(s) with Ehlers-Danlos syndrome (Invitae). ClinVar contains an entry for this variant (Variation ID: 575032). Algorithms developed to predict the effect of sequence changes on RNA splicing suggest that this variant may disrupt the consensus splice site. In summary, the currently available evidence indicates that the variant is pathogenic, but additional data are needed to prove that conclusively. Therefore, this variant has been classified as Likely Pathogenic.

Literature cited by the submitters: PubMed 16199547 (cited by Labcorp Genetics (formerly Invitae), Labcorp); PubMed 24922459 (cited by Labcorp Genetics (formerly Invitae), Labcorp).

NM_000090.4(COL3A1):c.80-1G>C

Gene: COL3A1 (collagen type III alpha 1 chain; plus strand). Cytogenetic location: 2q32.2.
Variant type: single nucleotide variant.
Coding change: c.80-1G>C on transcript NM_000090.4 (MANE Select); the canonical splice acceptor site of the intron before coding-DNA position 80, G replaced by C.
Molecular consequence: splice acceptor variant.
Genome position (GRCh38, 1-based): chr2:188,984,759, G>C. VCF-style: chr2-188984759-G-C. GRCh37 (hg19) VCF-style: chr2-189849485-G-C.
Identifiers: ClinVar variation 575032 (VCV000575032.9), dbSNP rs1559052551, ClinGen allele CA349846773.
Genomic context (GRCh38, chr2:188,984,759, plus strand): 5'-AACAAAAATCACCTTTCAGCAAAACCTAAGGAAACTTCACGTCATCTAACTTGTTTTTCA[G>C]CTGTTGAAGGAGGATGTTCCCATCTTGGTCAGTCCTATGCGGATAGAGATGTCTGGAAGC-3'